The following is an entry in ClinVar:

NM_015175.3(NBEAL2):c.6561-5C>T

Gene: NBEAL2 (neurobeachin like 2; plus strand). Cytogenetic location: 3p21.31.
Variant type: single nucleotide variant.
Coding change: c.6561-5C>T on transcript NM_015175.3 (MANE Select); 5 bases into the intron before coding-DNA position 6561, C replaced by T.
Molecular consequence: intron variant.
Genome position (GRCh38, 1-based): chr3:47,005,484, C>T. VCF-style: chr3-47005484-C-T. GRCh37 (hg19) VCF-style: chr3-47046974-C-T.
Other names: p.?; c.6459-5C>T (NM_001365116.2).
Identifiers: ClinVar variation 3044260 (VCV003044260.3), dbSNP rs1338358943, ClinGen allele CA543042380.

ClinVar aggregate classification (germline): Likely benign. Review status: criteria provided, single submitter (1 of 4 stars). 2 submissions from 2 submitters: Likely benign (1). 1 of the submissions does not count toward it. Last evaluated 2025-01-31.

Conditions:
NBEAL2-related disorder. Also called: NBEAL2-related condition.

Allele frequency attached by ClinVar (database versions not stated): gnomAD 0.00001.
gnomAD v4.1: 11 of 1,610,776 alleles (0.00068%); highest among the groups gnomAD compares: Non-Finnish European, 0.00093%; no homozygotes.

Submissions (2):

Mayo Clinic Laboratories, Mayo Clinic
Classification: Likely benign. Last evaluated: 2025-01-31. Review status: criteria provided, single submitter. Criteria: ACMG Guidelines, 2015. Collection method: clinical testing. Allele origin: germline. Observed: 1 variant allele.
Comment: BP4, BP7, PM2_supporting

PreventionGenetics, part of Exact Sciences
Classification: Likely benign for NBEAL2-related condition. Last evaluated: 2019-05-30. Review status: no assertion criteria provided. Collection method: clinical testing. Allele origin: germline. Not counted in ClinVar's aggregate classification.
Comment: This variant is classified as likely benign based on ACMG/AMP sequence variant interpretation guidelines (Richards et al. 2015 PMID: 25741868, with internal and published modifications).